The following is an entry in ClinVar:

NM_001035.3(RYR2):c.12617_12619del (p.Ile4206_Ser4207delinsThr)

Genes: RYR2 (ryanodine receptor 2; plus strand), LOC126806068 (BRD4-independent group 4 enhancer GRCh37_chr1:237947411-237948610; plus strand). Cytogenetic location: 1q43.
Variant type: Deletion.
Coding change: c.12617_12619del on transcript NM_001035.3 (MANE Select); coding-DNA positions 12617 to 12619, 3 bases deleted (TCT; older notation c.12617_12619delTCT).
Protein change: p.Ile4206_Ser4207delinsThr.
Molecular consequence: inframe indel.
Genome position (GRCh38, 1-based): chr1:237,784,329-237,784,331, TCT deleted. VCF-style (leftmost placement, unchanged base first): chr1-237784328-ATCT-A. GRCh37 (hg19) VCF-style: chr1-237947628-ATCT-A.
Identifiers: ClinVar variation 1318886 (VCV001318886.2), dbSNP rs2149354492, ClinGen allele CA2573051535.

ClinVar aggregate classification (germline): Uncertain significance (1 of 4 stars; one submission).

Submission:

GeneDx
Classification: Uncertain significance. Last evaluated: 2020-12-29. Review status: criteria provided, single submitter. Criteria: GeneDx Variant Classification Process June 2021. Collection method: clinical testing. Allele origin: germline. Affected: yes.
Comment: Has not been previously published as pathogenic or benign to our knowledge; Not observed in large population cohorts (Lek et al., 2016); In-frame deletion of two amino acids and insertion of one amino acid in a non-repeat region; In silico analysis supports a deleterious effect on protein structure/function